The following is an entry in ClinVar:

NM_000528.4(MAN2B1):c.496G>A (p.Gly166Ser)

Gene: MAN2B1 (mannosidase alpha class 2B member 1; minus strand). Cytogenetic location: 19p13.13.
Variant type: single nucleotide variant.
Coding change: c.496G>A on transcript NM_000528.4 (MANE Select); coding-DNA position 496, G replaced by A.
Protein change: p.Gly166Ser; replaces glycine 166 with serine.
Molecular consequence: missense variant.
Genome position (GRCh38, 1-based): chr19:12,664,926, C>T on the plus strand (G>A on the coding strand, the complement: MAN2B1 is on the minus strand). VCF-style: chr19-12664926-C-T. GRCh37 (hg19) VCF-style: chr19-12775740-C-T.
Other names: c.496G>A (NM_000528.3); c.496G>A, p.Gly166Ser (NM_001173498.2); short protein forms G166S.
Identifiers: ClinVar variation 1470456 (VCV001470456.4), dbSNP rs749680035, ClinGen allele CA9226787.
Genomic context (GRCh38, chr19:12,664,926, plus strand): 5'-CATTGCCAAATGTGTCCTCCAGAAAGCGCAGCCCAAGTGTCATCTGGTCCACGATGGCAC[C>T]GTAGTGGGTGGCTGCCTCATCGTTCATCACCCAGCCACCATTGGCGAACTCCAGGCGCCC-3'
Protein context (NP_000519.2, residues 156-176): VMNDEAATHY[Gly166Ser]AIVDQMTLGL

ClinVar aggregate classification (germline): Uncertain significance. Review status: criteria provided, multiple submitters, no conflicts (2 of 4 stars). 2 submissions from 2 submitters: Uncertain significance (2). Last evaluated 2025-09-01.

Conditions:
Inborn genetic diseases. Identifiers: MedGen C0950123, MeSH D030342.
Deficiency of alpha-mannosidase (MANSA). Also called: Alpha-Mannosidosis; LYSOSOMAL ALPHA-D-MANNOSIDASE DEFICIENCY; Mannosidosis, alpha-, types I and II. Identifiers: Orphanet 61, MedGen C0024748, MONDO:0009561, OMIM 248500.

Allele frequency attached by ClinVar (database versions not stated): ExAC 0.00002.
gnomAD v4.1: 6 of 1,614,162 alleles (0.00037%); highest among the groups gnomAD compares: Admixed American, 0.01%; no homozygotes.

Submissions (2):

Ambry Genetics
Classification: Uncertain significance for Inborn genetic diseases. Last evaluated: 2025-09-01. Review status: criteria provided, single submitter. Criteria: Ambry Variant Classification Scheme 2023. Collection method: clinical testing. Allele origin: germline.

Labcorp Genetics (formerly Invitae), Labcorp
Classification: Uncertain significance for Deficiency of alpha-mannosidase. Last evaluated: 2022-04-28. Review status: criteria provided, single submitter. Criteria: Invitae Variant Classification Sherloc (09022015). Collection method: clinical testing. Allele origin: germline.
Comment: This sequence change replaces glycine, which is neutral and non-polar, with serine, which is neutral and polar, at codon 166 of the MAN2B1 protein (p.Gly166Ser). This variant is present in population databases (rs749680035, gnomAD 0.01%). This variant has not been reported in the literature in individuals affected with MAN2B1-related conditions. Advanced modeling of protein sequence and biophysical properties (such as structural, functional, and spatial information, amino acid conservation, physicochemical variation, residue mobility, and thermodynamic stability) performed at Invitae indicates that this missense variant is expected to disrupt MAN2B1 protein function. In summary, the available evidence is currently insufficient to determine the role of this variant in disease. Therefore, it has been classified as a Variant of Uncertain Significance.